The following is an entry in ClinVar:

NM_006662.3(SRCAP):c.2126G>A (p.Arg709Gln)

Gene: SRCAP (Snf2 related CREBBP activator protein; plus strand). Cytogenetic location: 16p11.2.
Variant type: single nucleotide variant.
Coding change: c.2126G>A on transcript NM_006662.3 (MANE Select); coding-DNA position 2126, G replaced by A.
Protein change: p.Arg709Gln; replaces arginine 709 with glutamine.
Molecular consequence: missense variant.
Genome position (GRCh38, 1-based): chr16:30,712,811, G>A. VCF-style: chr16-30712811-G-A. GRCh37 (hg19) VCF-style: chr16-30724132-G-A.
Other names: c.2126G>A (NM_006662.2); short protein forms R709Q.
Identifiers: ClinVar variation 591657 (VCV000591657.3), dbSNP rs1248690680, ClinGen allele CA395608214.

ClinVar aggregate classification (germline): Uncertain significance. Review status: criteria provided, single submitter (1 of 4 stars). 2 submissions from 2 submitters: Uncertain significance (1). 1 of the submissions does not count toward it. Last evaluated 2022-05-24.

Conditions:
Inborn genetic diseases. Identifiers: MedGen C0950123, MeSH D030342.

Allele frequency attached by ClinVar (database versions not stated): gnomAD exomes below 0.00001.
gnomAD v4.1: 1 of 1,614,014 alleles (0.000062%); highest among the groups gnomAD compares: Non-Finnish European, 0.000085%; no homozygotes.

Submissions (2):

Ambry Genetics
Classification: Uncertain significance for Inborn genetic diseases. Last evaluated: 2022-05-24. Review status: criteria provided, single submitter. Criteria: Ambry Variant Classification Scheme 2023. Collection method: clinical testing. Allele origin: germline.
Comment: The c.2126G>A (p.R709Q) alteration is located in exon 14 (coding exon 12) of the SRCAP gene. This alteration results from a G to A substitution at nucleotide position 2126, causing the arginine (R) at amino acid position 709 to be replaced by a glutamine (Q). This variant was not reported in population-based cohorts in the Genome Aggregation Database (gnomAD). This amino acid position is highly conserved in available vertebrate species. The in silico prediction for this alteration is inconclusive. Based on insufficient or conflicting evidence, the clinical significance of this alteration remains unclear.

Gharavi Laboratory, Columbia University
Classification: Uncertain significance. Last evaluated: 2018-09-16. Review status: no assertion criteria provided. Criteria: ACMG Guidelines, 2015. Collection method: research. Allele origin: germline. Affected: yes. Not counted in ClinVar's aggregate classification.